The following is an entry in ClinVar:

NM_000489.6(ATRX):c.4862C>T (p.Thr1621Met)

Gene: ATRX (ATRX chromatin remodeler; minus strand). Cytogenetic location: Xq21.1.
Variant type: single nucleotide variant.
Coding change: c.4862C>T on transcript NM_000489.6 (MANE Select); coding-DNA position 4862, C replaced by T.
Protein change: p.Thr1621Met; replaces threonine 1621 with methionine.
Molecular consequence: missense variant.
Genome position (GRCh38, 1-based): chrX:77,633,660, G>A on the plus strand (C>T on the coding strand, the complement: ATRX is on the minus strand). VCF-style: chrX-77633660-G-A. GRCh37 (hg19) VCF-style: chrX-76889148-G-A.
Other names: c.4862C>T (NM_000489.3, NM_000489.5, NM_000489.4); c.4748C>T, p.Thr1583Met (NM_138270.5); short protein forms T1621M, T1583M.
Identifiers: ClinVar variation 11739 (VCV000011739.10), dbSNP rs122445106, ClinGen allele CA256049.
Genomic context (GRCh38, chrX:77,633,660, plus strand): 5'-CACTTCTCAAATTCATTCATCCAATTCAAAGCAGTATTAAGAGGACAAACCACTAACGCC[G>A]TGCTGAAATCCAGTTTGTCACACAAAAGAACTGTATGAAGAAAACTTACCACCTATAAGA-3'
Protein context (NP_000480.3, residues 1611-1631): VLLCDKLDFS[Thr1621Met]ALVVCPLNTA

ClinVar aggregate classification (germline): Pathogenic/Likely pathogenic. Review status: criteria provided, multiple submitters, no conflicts (2 of 4 stars). 6 submissions from 6 submitters: Pathogenic (1); Likely pathogenic (3). 2 of the submissions do not count toward it. Last evaluated 2026-08-21.

Conditions:
ATRX-related disorder. Also called: ATRX-related condition.
Alpha thalassemia-X-linked intellectual disability syndrome (ATRX). Also called: ALPHA-THALASSEMIA/MENTAL RETARDATION SYNDROME, X-LINKED; X-linked alpha-thalassemia-mental retardation syndrome; ATR, NONDELETION TYPE; ALPHA-THALASSEMIA/IMPAIRED INTELLECTUAL DEVELOPMENT SYNDROME, X-LINKED; ATR-X syndrome; Alpha thalassemia mental retardation syndrome, nondeletion type, X-linked. Identifiers: Orphanet 847, MedGen C1845055, MONDO:0010519, OMIM 301040.
Intellectual disability-hypotonic facies syndrome, X-linked, 1 (MRXHF1). Also called: X-linked intellectual disability-hypotonic face syndrome; Smith Fineman Myers syndrome 1; CHUDLEY-LOWRY SYNDROME; Chudley syndrome 1; Chudley-Lowry-Hoar syndrome; Carpenter-Waziri syndrome. Identifiers: Orphanet 73220, Orphanet 93970, Orphanet 93971, Orphanet 93972, Orphanet 93973, Orphanet 93974, Orphanet 93975, MedGen C4759781, MONDO:0010663, OMIM 309580.

Allele frequency attached by ClinVar (database versions not stated): gnomAD exomes below 0.00001 and 0.00001; ExAC 0.00001.
gnomAD v4.1: 2 of 1,209,788 alleles (0.00017%); highest among the groups gnomAD compares: Non-Finnish European, 0.00022%; no homozygotes.

Submissions (6):

GeneDx
Classification: Pathogenic. Last evaluated: 2026-08-21. Review status: criteria provided, single submitter. Criteria: GeneDx Variant Classification Process June 2021. Collection method: clinical testing. Allele origin: germline.
Comment: Observed in hemizygous state in patients with clinical features consistent with an ATRX-related disorder referred for genetic testing at GeneDx and in published literature (PMID: 35593993, 39829082); In silico analysis supports that this missense variant has a deleterious effect on protein structure/function; Not observed at significant frequency in large population cohorts (gnomAD); This variant is associated with the following publications: (PMID: 35962714, 35593993, 39941308, 39829082, 18409179, 12116232)

Natera, Inc.
Classification: Likely pathogenic for X-linked alpha-thalassemia-mental retardation syndrome. Last evaluated: 2024-11-15. Review status: criteria provided, single submitter. Criteria: Natera Variant Classification Schema (03/2026). Collection method: clinical testing. Allele origin: germline.
Comment: The c.4862C>T variant in ATRX is a missense variant predicted to cause substitution of threonine to methionine at amino acid 1621. This variant has been observed in affected individual(s) with monoallelic occurrence (heterozygous/hemizygous) (PMID: 12116232). This variant has been observed to segregate in affected family members (PMID: 12116232). Computational prediction algorithms indicate this variant is likely to affect gene or protein function. Given the available evidence, this variant is classified as Likely Pathogenic.

Kasturba Medical College, Manipal, Kasturba Medical College, Manipal, Manipal Academy of Higher Education, Manipal, India
Classification: Likely pathogenic for Intellectual disability-hypotonic facies syndrome, X-linked, 1. Last evaluated: 2023-01-23. Review status: criteria provided, single submitter. Criteria: ACMG Guidelines, 2015. Collection method: clinical testing. Allele origin: maternal. Affected: yes.

Blueprint Genetics
Classification: Likely pathogenic for ATRX-related disorders. Last evaluated: 2022-09-26. Review status: criteria provided, single submitter. Criteria: ACMG Guidelines, 2015. Collection method: clinical testing. Allele origin: germline. Affected: yes. Observed: 1 variant allele.

PreventionGenetics, part of Exact Sciences
Classification: Pathogenic for ATRX-related condition. Last evaluated: 2024-04-03. Review status: no assertion criteria provided. Collection method: clinical testing. Allele origin: germline. Not counted in ClinVar's aggregate classification.
Comment: The ATRX c.4862C>T variant is predicted to result in the amino acid substitution p.Thr1621Met. This variant was reported to segregate in several males with mild to moderate intellectual disability from a large multi-generational family (Yntema et al. 2002. PubMed ID: 12116232). This variant was also reported in a patient with autism spectrum disorder (López-Garrido et al. 2022. PubMed ID: 35593993). Of note, another variant impacting the same amino acid (p.Thr1621Ala) was reported in a patient with intellectual disability (Patient ID 19 in Xiao et al. 2018. PubMed ID: 29159939). This variant is reported in 0.013% of alleles in individuals of Ashkenazi Jewish descent in gnomAD. Based on this evidence, the c.4862C>T (p.Thr1621Met) variant is interpreted as pathogenic.

OMIM
Classification: Pathogenic for ALPHA-THALASSEMIA/IMPAIRED INTELLECTUAL DEVELOPMENT SYNDROME, X-LINKED. Last evaluated: 2002-07-01. Review status: no assertion criteria provided. Collection method: literature only. Allele origin: germline. Not counted in ClinVar's aggregate classification.

Literature cited by the submitters: PubMed 12116232 (cited by Natera, Inc. and OMIM).